The following is an entry in ClinVar:

ClinVar aggregate classification (germline): Uncertain significance. Review status: criteria provided, multiple submitters, no conflicts (2 of 4 stars). 2 submissions from 2 submitters: Uncertain significance (2). Last evaluated 2026-01-06.

Conditions:
Inborn genetic diseases. Identifiers: MedGen C0950123, MeSH D030342.
SEMA3A-related disorder. Also called: SEMA3A-related condition.

gnomAD v4.1: 10 of 1,608,408 alleles (0.00062%); highest among the groups gnomAD compares: Admixed American, 0.017%; no homozygotes.

Submissions (2):

PreventionGenetics, part of Exact Sciences
Classification: Uncertain significance for SEMA3A-related condition. Last evaluated: 2026-01-06. Review status: criteria provided, single submitter. Criteria: ACMG Guidelines, 2015. Collection method: clinical testing. Allele origin: germline.
Comment: The SEMA3A c.265C>G variant is predicted to result in the amino acid substitution p.Gln89Glu. To our knowledge, this variant has not been reported in the literature. This variant is reported in 0.029% of alleles in individuals of Latino descent in gnomAD, which may be too frequent to be a primary cause of disease. Although we suspect that this variant may be benign, the clinical significance of this variant is currently classified as uncertain due to the absence of conclusive functional and genetic evidence.

Ambry Genetics
Classification: Uncertain significance for Inborn genetic diseases. Last evaluated: 2025-11-27. Review status: criteria provided, single submitter. Criteria: Ambry Variant Classification Scheme 2023. Collection method: clinical testing. Allele origin: germline.

NM_006080.3(SEMA3A):c.265C>G (p.Gln89Glu)

Gene: SEMA3A (semaphorin 3A; minus strand). Cytogenetic location: 7q21.11.
Variant type: single nucleotide variant.
Coding change: c.265C>G on transcript NM_006080.3 (MANE Select); coding-DNA position 265, C replaced by G.
Protein change: p.Gln89Glu; replaces glutamine 89 with glutamic acid.
Molecular consequence: missense variant.
Genome position (GRCh38, 1-based): chr7:84,134,799, G>C on the plus strand (C>G on the coding strand, the complement: SEMA3A is on the minus strand). VCF-style: chr7-84134799-G-C. GRCh37 (hg19) VCF-style: chr7-83764115-G-C.
Other names: short protein forms Q89E.
Identifiers: ClinVar variation 3351213 (VCV003351213.3).